The following is an entry in ClinVar:

NM_000821.7(GGCX):c.1046G>A (p.Arg349Gln)

Gene: GGCX (gamma-glutamyl carboxylase; minus strand). Cytogenetic location: 2p11.2.
Variant type: single nucleotide variant.
Coding change: c.1046G>A on transcript NM_000821.7 (MANE Select); coding-DNA position 1046, G replaced by A.
Protein change: p.Arg349Gln; replaces arginine 349 with glutamine.
Molecular consequence: missense variant.
Genome position (GRCh38, 1-based): chr2:85,553,341, C>T on the plus strand (G>A on the coding strand, the complement: GGCX is on the minus strand). VCF-style: chr2-85553341-C-T. GRCh37 (hg19) VCF-style: chr2-85780464-C-T.
Other names: c.875G>A, p.Arg292Gln (NM_001142269.4); c.1046G>A (NM_000821.6, NM_000821.5); short protein forms R349Q, R292Q.
Identifiers: ClinVar variation 1423150 (VCV001423150.5), dbSNP rs146930374, ClinGen allele CA1741942.

ClinVar aggregate classification (germline): Conflicting classifications of pathogenicity. Review status: criteria provided, conflicting classifications (1 of 4 stars). 3 submissions from 3 submitters: Uncertain significance (2); Likely benign (1). Last evaluated 2024-12-22.

Conditions:
GGCX-related disorder. Also called: GGCX-related condition; GGCX - Related Disorders.
Inborn genetic diseases. Identifiers: MedGen C0950123, MeSH D030342.

Allele frequency attached by ClinVar (database versions not stated): ExAC 0.00007; gnomAD exomes 0.00007; gnomAD 0.00008 and 0.00009; TOPMed 0.00009; 1000 Genomes Project 30x 0.00016; 1000 Genomes Project 0.00020.
gnomAD v4.1: 168 of 1,614,198 alleles (0.01%); highest among the groups gnomAD compares: Non-Finnish European, 0.012%; 1 homozygote.

Submissions (3):

Ambry Genetics
Classification: Likely benign for Inborn genetic diseases. Last evaluated: 2024-12-22. Review status: criteria provided, single submitter. Criteria: Ambry Variant Classification Scheme 2023. Collection method: clinical testing. Allele origin: germline.

PreventionGenetics, part of Exact Sciences
Classification: Uncertain significance for GGCX-related condition. Last evaluated: 2024-12-02. Review status: criteria provided, single submitter. Criteria: ACMG Guidelines, 2015. Collection method: clinical testing. Allele origin: germline.
Comment: The GGCX c.1046G>A variant is predicted to result in the amino acid substitution p.Arg349Gln. To our knowledge, this variant has not been reported in the literature. This variant is reported in 0.012% of alleles in individuals of European (Non-Finnish) descent in gnomAD. At this time, the clinical significance of this variant is uncertain due to the absence of conclusive functional and genetic evidence.

Labcorp Genetics (formerly Invitae), Labcorp
Classification: Uncertain significance. Last evaluated: 2022-08-21. Review status: criteria provided, single submitter. Criteria: Invitae Variant Classification Sherloc (09022015). Collection method: clinical testing. Allele origin: germline.
Comment: This sequence change replaces arginine, which is basic and polar, with glutamine, which is neutral and polar, at codon 349 of the GGCX protein (p.Arg349Gln). The frequency data for this variant in the population databases is considered unreliable, as metrics indicate poor data quality at this position in the gnomAD database. This variant has not been reported in the literature in individuals affected with GGCX-related conditions. ClinVar contains an entry for this variant (Variation ID: 1423150). Algorithms developed to predict the effect of missense changes on protein structure and function output the following: SIFT: "Tolerated"; PolyPhen-2: "Benign"; Align-GVGD: "Class C0". The glutamine amino acid residue is found in multiple mammalian species, which suggests that this missense change does not adversely affect protein function. In summary, the available evidence is currently insufficient to determine the role of this variant in disease. Therefore, it has been classified as a Variant of Uncertain Significance.